The following is an entry in ClinVar:

NM_000077.5(CDKN2A):c.172del (p.Arg58fs)

Gene: CDKN2A (cyclin dependent kinase inhibitor 2A; minus strand). Cytogenetic location: 9p21.3.
Variant type: Deletion.
Coding change: c.172del on transcript NM_000077.5; coding-DNA position 172, one base deleted (C; older notation c.172delC).
Protein change: p.Arg58fs; shifts the reading frame from arginine 58.
Molecular consequence: frameshift variant (on NM_000077.4). On other transcripts: 3 prime UTR variant (1).
Genome position (GRCh38, 1-based): chr9:21,971,187, G deleted on the plus strand (C on the coding strand, the reverse complement: CDKN2A is on the minus strand); the first of 3 consecutive G bases (chr9:21,971,187-21,971,189); deleting any one gives the same sequence. VCF-style (leftmost placement, unchanged base first): chr9-21971186-CG-C. GRCh37 (hg19) VCF-style: chr9-21971185-CG-C.
Other names: c.172delC (NM_000077.4); c.170delC, p.Arg58Glufs (NM_000077.6); c.172del, p.Arg58fs (NM_001195132.2); c.19del, p.Arg7fs (NM_001363763.2); c.215del, p.Pro72fs (NM_058195.4); c.*95del (NM_058197.5); short protein forms P72fs, R58fs, R7fs.
Identifiers: ClinVar variation 3489666 (VCV003489666.1).
Genomic context (GRCh38, chr9:21,971,186, plus strand): 5'-AGAGTGGCGGGGTCGGCGCAGTTGGGCTCCGCGCCGTGGAGCAGCAGCAGCTCCGCCACT[CG>C]GGCGCTGCCCATCATCATGACCTGCCAGAGAGAACAGAATGGTCAGAGCCAGGGTGGGGG-3'

ClinVar aggregate classification (germline): Pathogenic (1 of 4 stars; one submission).

Conditions:
Hereditary cancer-predisposing syndrome. Also called: Tumor predisposition; Neoplastic Syndromes, Hereditary; Hereditary Cancer Syndrome; Hereditary neoplastic syndrome. Identifiers: Orphanet 140162, MedGen C0027672, MeSH D009386, MONDO:0015356.

Submission:

Ambry Genetics
Classification: Pathogenic for Hereditary cancer-predisposing syndrome. Last evaluated: 2024-09-06. Review status: criteria provided, single submitter. Criteria: Ambry Variant Classification Scheme 2023. Collection method: clinical testing. Allele origin: germline.
Comment: The c.172delC pathogenic mutation, located in coding exon 2 of the CDKN2A (p16) gene, results from a deletion of one nucleotide at nucleotide position 172, causing a translational frameshift with a predicted alternate stop codon (p.R58Efs*88). This alteration occurs at the 3' terminus of the CDKN2A gene, is not expected to trigger nonsense-mediated mRNA decay, and impacts the last 63% of the protein. However, premature stop codons are typically deleterious in nature and a significant portion of the protein is affected (Ambry internal data). Of note, this variant is also known as c.215del (p.Pro72Argfs*100) in the p14(ARF) isoform. This variant is considered to be rare based on population cohorts in the Genome Aggregation Database (gnomAD). Based on the supporting evidence, this variant is interpreted as a disease-causing mutation.